The following is an entry in ClinVar:

NM_001202.6(BMP4):c.548T>C (p.Val183Ala)

Gene: BMP4 (bone morphogenetic protein 4; minus strand). Cytogenetic location: 14q22.2.
Variant type: single nucleotide variant.
Coding change: c.548T>C on transcript NM_001202.6 (MANE Select); coding-DNA position 548, T replaced by C.
Protein change: p.Val183Ala; replaces valine 183 with alanine.
Molecular consequence: missense variant.
Genome position (GRCh38, 1-based): chr14:53,950,711, A>G on the plus strand (T>C on the coding strand, the complement: BMP4 is on the minus strand). VCF-style: chr14-53950711-A-G. GRCh37 (hg19) VCF-style: chr14-54417429-A-G.
Other names: c.689T>C, p.Val230Ala (NM_001347912.1); c.359T>C, p.Val120Ala (NM_001347913.2, NM_001347915.2, NM_001347917.1); c.548T>C, p.Val183Ala (NM_001347914.2, NM_001347916.1, NM_130850.5 and 1 more transcripts); short protein forms V120A, V183A, V230A.
Identifiers: ClinVar variation 3755051 (VCV003755051.2).

ClinVar aggregate classification (germline): Uncertain significance (1 of 4 stars; one submission).

Conditions:
Orofacial cleft 11 (OFC11). Also called: Orofacial cleft 11; ofc11; CLEFT LIP WITH OR WITHOUT CLEFT PALATE, NONSYNDROMIC, 11. Identifiers: MedGen C2677434, MONDO:0010906, OMIM 600625.
Microphthalmia with brain and digit anomalies (MCOPS6). Also called: MICROPHTHALMIA AND PITUITARY ANOMALIES; Microphthalmia, syndromic 6. Identifiers: Orphanet 139471, MedGen C1864689, MONDO:0011936, OMIM 607932.

Submission:

Labcorp Genetics (formerly Invitae), Labcorp
Classification: Uncertain significance for Microphthalmia with brain and digit anomalies; Orofacial cleft 11. Last evaluated: 2024-05-29. Review status: criteria provided, single submitter. Criteria: Invitae Variant Classification Sherloc (09022015). Collection method: clinical testing. Allele origin: germline.
Comment: This sequence change replaces valine, which is neutral and non-polar, with alanine, which is neutral and non-polar, at codon 183 of the BMP4 protein (p.Val183Ala). This variant is not present in population databases (gnomAD no frequency). This variant has not been reported in the literature in individuals affected with BMP4-related conditions. Advanced modeling of protein sequence and biophysical properties (such as structural, functional, and spatial information, amino acid conservation, physicochemical variation, residue mobility, and thermodynamic stability) performed at Invitae indicates that this missense variant is not expected to disrupt BMP4 protein function with a negative predictive value of 80%. In summary, the available evidence is currently insufficient to determine the role of this variant in disease. Therefore, it has been classified as a Variant of Uncertain Significance.